The following is an entry in ClinVar:

ClinVar aggregate classification (germline): Likely benign (1 of 4 stars; one submission).

Allele frequency attached by ClinVar (database versions not stated): gnomAD 0.00030 and 0.00034; ESP Exome Variant Server 0.00035; TOPMed 0.00040; 1000 Genomes Project 30x 0.00047; 1000 Genomes Project 0.00060.
gnomAD v4.1: 93 of 1,611,854 alleles (0.0058%); highest among the groups gnomAD compares: African/African-American, 0.1%; no homozygotes.

Submission:

GeneDx
Classification: Likely benign. Last evaluated: 2017-09-01. Review status: criteria provided, single submitter. Criteria: GeneDx Variant Classification (06012015). Collection method: clinical testing. Allele origin: germline. Affected: yes.
Comment: This variant is considered likely benign or benign based on one or more of the following criteria: it is a conservative change, it occurs at a poorly conserved position in the protein, it is predicted to be benign by multiple in silico algorithms, and/or has population frequency not consistent with disease.

NM_004408.4(DNM1):c.1335+1634C>T

Gene: DNM1 (dynamin 1; plus strand). Cytogenetic location: 9q34.11.
Variant type: single nucleotide variant.
Coding change: c.1335+1634C>T on transcript NM_004408.4 (MANE Select); 1634 bases into the intron after coding-DNA position 1335, C replaced by T.
Molecular consequence: intron variant.
Genome position (GRCh38, 1-based): chr9:128,226,023, C>T. VCF-style: chr9-128226023-C-T. GRCh37 (hg19) VCF-style: chr9-130988302-C-T.
Other names: c.1197-12C>T (NM_001288738.2, NM_001288737.2, NM_001288739.2); c.1335+1634C>T (NM_001005336.3).
Identifiers: ClinVar variation 511905 (VCV000511905.1), dbSNP rs377716564, ClinGen allele CA5258078.